The following is an entry in ClinVar:

ClinVar aggregate classification (germline): Conflicting classifications of pathogenicity. Review status: criteria provided, conflicting classifications (1 of 4 stars). 3 submissions from 3 submitters: Uncertain significance (2); Likely benign (1). Last evaluated 2025-02-03.

Conditions:
Hereditary diffuse gastric adenocarcinoma (HDGC). Also called: DIFFUSE GASTRIC AND LOBULAR BREAST CANCER SYNDROME. Identifiers: Orphanet 26106, MedGen C1708349, MONDO:0007648, OMIM 137215.
Hereditary cancer-predisposing syndrome. Also called: Neoplastic Syndromes, Hereditary; Hereditary Cancer Syndrome; Tumor predisposition; Hereditary neoplastic syndrome. Identifiers: Orphanet 140162, MedGen C0027672, MeSH D009386, MONDO:0015356.

gnomAD v4.1: 1 of 1,613,666 alleles (0.000062%); highest among the groups gnomAD compares: South Asian, 0.0011%; no homozygotes.

Submissions (3):

Ambry Genetics
Classification: Likely benign for Hereditary cancer-predisposing syndrome. Last evaluated: 2025-02-03. Review status: criteria provided, single submitter. Criteria: Ambry Variant Classification Scheme 2023. Collection method: clinical testing. Allele origin: germline.

European Reference Network on Genetic Tumour Risk Syndromes (ERN-GENTURIS), i3s - Instituto de Investigação e Inovação em Saúde, University of Porto
Classification: Uncertain significance for Hereditary diffuse gastric adenocarcinoma. Last evaluated: 2022-08-01. Review status: criteria provided, single submitter. Criteria: Lee et al. (Hum Mutat. 2018). Collection method: clinical testing. Allele origin: germline. Inheritance: Autosomal dominant inheritance. Affected: no. Study: ERN GENTURIS.
Comment: PM2 (PMID: 30311375)

Quest Diagnostics Nichols Institute San Juan Capistrano
Classification: Uncertain significance. Last evaluated: 2019-07-15. Review status: criteria provided, single submitter. Criteria: Quest Diagnostics criteria. Collection method: clinical testing. Allele origin: germline.

Literature cited by the submitters: PubMed 36436516 (cited by European Reference Network on Genetic Tumour Risk Syndromes (ERN-GENTURIS), i3s - Instituto de Investigação e Inovação em Saúde, University of Porto).

NM_004360.5(CDH1):c.2122C>T (p.Pro708Ser)

Gene: CDH1 (cadherin 1; plus strand). Cytogenetic location: 16q22.1.
Variant type: single nucleotide variant.
Coding change: c.2122C>T on transcript NM_004360.5 (MANE Select); coding-DNA position 2122, C replaced by T.
Protein change: p.Pro708Ser; replaces proline 708 with serine.
Molecular consequence: missense variant.
Genome position (GRCh38, 1-based): chr16:68,823,584, C>T. VCF-style: chr16-68823584-C-T. GRCh37 (hg19) VCF-style: chr16-68857487-C-T.
Other names: c.2122C>T (NM_004360.3); c.1939C>T, p.Pro647Ser (NM_001317184.2); c.574C>T, p.Pro192Ser (NM_001317185.2); c.157C>T, p.Pro53Ser (NM_001317186.2); short protein forms P647S, P53S, P708S, P192S.
Identifiers: ClinVar variation 801140 (VCV000801140.4), dbSNP rs1060501233, ClinGen allele CA396467894.
Genomic context (GRCh38, chr16:68,823,584, plus strand): 5'-TGTGAAGGGGCCGCTGGCGTCTGTAGGAAGGCACAGCCTGTCGAAGCAGGATTGCAAATT[C>T]CTGCCATTCTGGGGATTCTTGGAGGAATTCTTGCTTTGCTAAGTAAGTCCAGCTGGCAAG-3'
Protein context (NP_004351.1, residues 698-718): AQPVEAGLQI[Pro708Ser]AILGILGGIL